The following is an entry in ClinVar:

NM_130837.3(OPA1):c.2263_2268del (p.Leu755_Lys756del)

Gene: OPA1 (OPA1 mitochondrial dynamin like GTPase; plus strand). Cytogenetic location: 3q29.
Variant type: Deletion.
Coding change: c.2263_2268del on transcript NM_130837.3 (MANE Select); coding-DNA positions 2263 to 2268, 6 bases deleted (CTTAAA; older notation c.2263_2268delCTTAAA).
Protein change: p.Leu755_Lys756del.
Molecular consequence: inframe deletion.
Genome position (GRCh38, 1-based): chr3:193,657,164-193,657,169, CTTAAA deleted; deleting any 6 consecutive bases within chr3:193,657,160-193,657,169 gives the same sequence; the c. name uses the placement nearest the transcript's 3' end. VCF-style (leftmost placement, unchanged base first): chr3-193657159-ATAAACT-A. GRCh37 (hg19) VCF-style: chr3-193374948-ATAAACT-A.
Other names: c.2263_2268del6 (NM_130837.2); c.1729_1734del, p.Leu577_Lys578del (NM_001354663.2); c.1726_1731del, p.Leu576_Lys577del (NM_001354664.2); c.2098_2103del, p.Leu700_Lys701del (NM_015560.3); c.1990_1995del, p.Leu664_Lys665del (NM_130831.3); c.2044_2049del, p.Leu682_Lys683del (NM_130832.3); c.2101_2106del, p.Leu701_Lys702del (NM_130833.3); c.2152_2157del, p.Leu718_Lys719del (NM_130834.3); and 3 more.
Identifiers: ClinVar variation 986077 (VCV000986077.16), dbSNP rs755591067, ClinGen allele CA2759616.

ClinVar aggregate classification (germline): Uncertain significance. Review status: criteria provided, multiple submitters, no conflicts (2 of 4 stars). 7 submissions from 7 submitters: Uncertain significance (7). Last evaluated 2025-11-26.

Conditions:
Inborn genetic diseases. Identifiers: MedGen C0950123, MeSH D030342.
OPA1-related disorder. Also called: OPA1-related disorders; OPA1-related condition.
Autosomal dominant optic atrophy classic form (OPA1). Also called: Optic Atrophy Type 1; KJER-TYPE OPTIC ATROPHY; OPTIC ATROPHY, JUVENILE. Identifiers: Orphanet 98673, MedGen C0338508, MONDO:0008134, OMIM 165500.

Submissions (7):

PreventionGenetics, part of Exact Sciences
Classification: Uncertain significance for OPA1-related condition. Last evaluated: 2025-11-26. Review status: criteria provided, single submitter. Criteria: ACMG Guidelines, 2015. Collection method: clinical testing. Allele origin: germline.
Comment: The OPA1 c.2263_2268del6 variant is predicted to result in an in-frame deletion (p.Leu755_Lys756del). This variant has been reported with alternate nomenclature in a patient with an OPA1 related phenotype; however, no additional studies were done to test its pathogenicity (NM_015560.2:c.2098_2103del6 (p.Leu700_Lys701del); Baris et al. 2003. PubMed ID: 14961560). This variant is reported in 0.016% of alleles in individuals of European (Finnish) descent in gnomAD. At this time, the clinical significance of this variant is uncertain due to the absence of conclusive functional and genetic evidence.

Labcorp Genetics (formerly Invitae), Labcorp
Classification: Uncertain significance. Last evaluated: 2025-05-30. Review status: criteria provided, single submitter. Criteria: Invitae Variant Classification Sherloc (09022015). Collection method: clinical testing. Allele origin: germline.
Comment: This variant, c.2098_2103del, results in the deletion of 2 amino acid(s) of the OPA1 protein (p.Leu700_Lys701del), but otherwise preserves the integrity of the reading frame. This variant is present in population databases (rs755591067, gnomAD 0.02%). This variant has been observed in individual(s) with optic atrophy (PMID: 14961560). ClinVar contains an entry for this variant (Variation ID: 986077). Experimental studies and prediction algorithms are not available or were not evaluated, and the functional significance of this variant is currently unknown. In summary, the available evidence is currently insufficient to determine the role of this variant in disease. Therefore, it has been classified as a Variant of Uncertain Significance.

GeneDx
Classification: Uncertain significance. Last evaluated: 2024-01-12. Review status: criteria provided, single submitter. Criteria: GeneDx Variant Classification Process June 2021. Collection method: clinical testing. Allele origin: germline. Affected: yes.
Comment: Reported in an individual with optic atrophy; detailed clinical and segregation information was not provided for this individual (PMID: 14961560); Reported in an individual with decreased visual acuity and bilateral temporal pallor of the optic discs; this individual's mother was also heterozygous and had normal visual acuity, visual fields, and color vision (PMID: 16513463); In silico analysis supports a deleterious effect on protein structure/function; Not observed at significant frequency in large population cohorts (gnomAD); In-frame deletion of 2 amino acids in a non-repeat region; This variant is associated with the following publications: (PMID: 16513463, 14961560)

Women's Health and Genetics/Laboratory Corporation of America, LabCorp
Classification: Uncertain significance. Last evaluated: 2023-10-24. Review status: criteria provided, single submitter. Criteria: LabCorp Variant Classification Summary - May 2015. Collection method: clinical testing. Allele origin: germline.
Comment: Variant summary: OPA1 c.2098_2103delCTTAAA (p.Leu700_Lys701del) results in an in-frame deletion that is predicted to remove two amino acids from the encoded protein. The variant allele was found at a frequency of 1.6e-05 in 251280 control chromosomes. The available data on variant occurrences in the general population are insufficient to allow any conclusion about variant significance. c.2098_2103delCTTAAA has been reported in the literature in individuals affected with autosomal dominant optic atrophy (Nakamura_2006, Baris_2003). These data do not allow any conclusion about variant significance. To our knowledge, no experimental evidence demonstrating an impact on protein function has been reported. The following publications have been ascertained in the context of this evaluation (PMID: 14961560, 16513463). Four submitters have cited clinical-significance assessments for this variant to ClinVar after 2014. All submitters classified the variant as uncertain significance. Based on the evidence outlined above, the variant was classified as uncertain significance.

Blueprint Genetics
Classification: Uncertain significance. Last evaluated: 2022-08-25. Review status: criteria provided, single submitter. Criteria: ACMG Guidelines, 2015. Collection method: clinical testing. Allele origin: germline.

MGZ Medical Genetics Center
Classification: Uncertain significance for Autosomal dominant optic atrophy classic form. Last evaluated: 2021-12-15. Review status: criteria provided, single submitter. Criteria: ACMG Guidelines, 2015. Collection method: clinical testing. Allele origin: germline. Affected: yes. Observed: 1 variant allele.
Comment: ACMG criteria applied: PM4, PM2_SUP

Ambry Genetics
Classification: Uncertain significance for Inborn genetic diseases. Last evaluated: 2020-03-16. Review status: criteria provided, single submitter. Criteria: Ambry Variant Classification Scheme 2023. Collection method: clinical testing. Allele origin: germline.
Comment: The alteration results in an in-frame deletion: _x000D_ _x000D_ The c.2098_2103delCTTAAA (p.L700_K701del) alteration is located in coding exon 21 of the OPA1 gene, results from an in-frame deletion of 6 nucleotides between nucleotide positions 2098 and 2103. This results in the deletion of 2 residues at codons 700 and 701. The alteration is rare in population databases: _x000D_ _x000D_ Based on data from the Genome Aggregation Database (gnomAD), the c.2098_2103delCTTAAA alteration was observed in 0.0018% (5/282686) of total alleles studied, with a frequency of 0.016% (4/25122) in the European (Finnish) subpopulation. The alteration has been observed in affected individuals:_x000D_ _x000D_ This alteration has been observed heterozygous in two individuals with autosomal dominant optic atrophy. The mother of one proband was also heterozygous and presented with mild color changes and reduced corrected visual acuity suggesting high clinical variability (Baris, 2003; Nasca, 2017). The alteration is predicted by in silico modeling:_x000D_ _x000D_ The p.L700_K701del alteration is predicted to be deleterious with a score of -15.163 by PROVEAN in silico analysis. Based on insufficient or conflicting evidence, the clinical significance of this alteration remains unclear.

Literature cited by the submitters: PubMed 14961560 (cited by 3 submitters); PubMed 16513463 (cited by Women's Health and Genetics/Laboratory Corporation of America, LabCorp); PubMed 28494813 (cited by Ambry Genetics).